The following is an entry in ClinVar:

NM_000038.6(APC):c.4496G>C (p.Gly1499Ala)

Gene: APC (APC regulator of Wnt signaling pathway; plus strand). Cytogenetic location: 5q22.2.
Variant type: single nucleotide variant.
Coding change: c.4496G>C on transcript NM_000038.6 (MANE Select); coding-DNA position 4496, G replaced by C.
Protein change: p.Gly1499Ala; replaces glycine 1499 with alanine.
Molecular consequence: missense variant.
Genome position (GRCh38, 1-based): chr5:112,840,090, G>C. VCF-style: chr5-112840090-G-C. GRCh37 (hg19) VCF-style: chr5-112175787-G-C.
Other names: c.4496G>C, p.Gly1499Ala (NM_001127510.3, NM_001354895.2); c.4442G>C, p.Gly1481Ala (NM_001127511.3); c.4550G>C, p.Gly1517Ala (NM_001354896.2); c.4526G>C, p.Gly1509Ala (NM_001354897.2); c.4421G>C, p.Gly1474Ala (NM_001354898.2); c.4412G>C, p.Gly1471Ala (NM_001354899.2); c.4373G>C, p.Gly1458Ala (NM_001354900.2); c.4319G>C, p.Gly1440Ala (NM_001354901.2); and 5 more; short protein forms G1216A, G1339A, G1373A, G1398A, G1408A, G1440A, G1471A, G1474A.
Identifiers: ClinVar variation 824939 (VCV000824939.4), dbSNP rs1278829075, ClinGen allele CA16031170.

ClinVar aggregate classification (germline): Uncertain significance (1 of 4 stars; one submission).

Conditions:
Hereditary cancer-predisposing syndrome. Also called: Neoplastic Syndromes, Hereditary; Tumor predisposition; Hereditary neoplastic syndrome; Hereditary Cancer Syndrome. Identifiers: Orphanet 140162, MedGen C0027672, MeSH D009386, MONDO:0015356.

Submission:

Ambry Genetics
Classification: Uncertain significance for Hereditary cancer-predisposing syndrome. Last evaluated: 2018-11-08. Review status: criteria provided, single submitter. Criteria: Ambry Variant Classification Scheme 2023. Collection method: clinical testing. Allele origin: germline.
Comment: The p.G1499A variant (also known as c.4496G>C), located in coding exon 15 of the APC gene, results from a G to C substitution at nucleotide position 4496. The glycine at codon 1499 is replaced by alanine, an amino acid with similar properties. This amino acid position is highly conserved in available vertebrate species. In addition, in silico predictors for this gene do not accurately predict pathogenicity. Since supporting evidence is limited at this time, the clinical significance of this alteration remains unclear.